The following is an entry in ClinVar:

NM_001126108.2(SLC12A3):c.2285+207T>C

Gene: SLC12A3 (solute carrier family 12 member 3; plus strand). Cytogenetic location: 16q13.
Variant type: single nucleotide variant.
Coding change: c.2285+207T>C on transcript NM_001126108.2 (MANE Select); 207 bases into the intron after coding-DNA position 2285, T replaced by C.
Molecular consequence: intron variant.
Genome position (GRCh38, 1-based): chr16:56,888,238, T>C. VCF-style: chr16-56888238-T-C. GRCh37 (hg19) VCF-style: chr16-56922150-T-C.
Other names: c.2285+207T>C (NM_000339.3); c.2282+207T>C (NM_001126107.2).
Identifiers: ClinVar variation 1706945 (VCV001706945.2), dbSNP rs78006294, ClinGen allele CA281510295.

ClinVar aggregate classification (germline): Likely benign (1 of 4 stars; one submission).

Allele frequency attached by ClinVar (database versions not stated): gnomAD 0.00502; TOPMed 0.00517; 1000 Genomes Project 0.00679; 1000 Genomes Project 30x 0.00703.
gnomAD v4.1: 756 of 152,330 alleles (0.5%); highest among the groups gnomAD compares: African/African-American, 1.7%; 15 homozygotes.

Submission:

GeneDx
Classification: Likely benign. Last evaluated: 2020-12-03. Review status: criteria provided, single submitter. Criteria: GeneDx Variant Classification Process June 2021. Collection method: clinical testing. Allele origin: germline. Affected: yes.
Comment: See Variant Classification Assertion Criteria.